The following is an entry in ClinVar:

ClinVar aggregate classification (germline): Benign (0 of 4 stars; one submission).

Conditions:
KIRREL1-related disorder. Also called: KIRREL1-related condition.

Allele frequency attached by ClinVar (database versions not stated): ExAC 0.00208; 1000 Genomes Project 0.00539; 1000 Genomes Project 30x 0.00609; gnomAD 0.00644; ESP Exome Variant Server 0.00738.

Submission:

PreventionGenetics, part of Exact Sciences
Classification: Benign for KIRREL1-related condition. Last evaluated: 2019-12-18. Review status: no assertion criteria provided. Collection method: clinical testing. Allele origin: germline.
Comment: This variant is classified as benign based on ACMG/AMP sequence variant interpretation guidelines (Richards et al. 2015 PMID: 25741868, with internal and published modifications).

NM_018240.7(KIRREL1):c.238G>A (p.Ala80Thr)

Gene: KIRREL1 (kirre like nephrin family adhesion molecule 1; plus strand). Cytogenetic location: 1q23.1.
Variant type: single nucleotide variant.
Coding change: c.238G>A on transcript NM_018240.7 (MANE Select); coding-DNA position 238, G replaced by A.
Protein change: p.Ala80Thr; replaces alanine 80 with threonine.
Molecular consequence: missense variant. On other transcripts: intron variant (1).
Genome position (GRCh38, 1-based): chr1:158,078,026, G>A. VCF-style: chr1-158078026-G-A. GRCh37 (hg19) VCF-style: chr1-158047816-G-A.
Other names: c.53-6396G>A (NM_001286349.2); short protein forms A80T.
Identifiers: ClinVar variation 3038564 (VCV003038564.2), dbSNP rs12081249, ClinGen allele CA1177353.
Genomic context (GRCh38, chr1:158,078,026, plus strand): 5'-GGCCTCATTCTTTCTGTTTCTGCAGCCTGGCCACGGTACCGGGTTGTGGGCTCCGCAGAC[G>A]CTGGGCAGTACAACCTGGAGATCACAGATGCTGAGCTCTCTGACGACGCCTCTTACGAGT-3'
Protein context (NP_060710.3, residues 70-90): PRYRVVGSAD[Ala80Thr]GQYNLEITDA